The following is an entry in ClinVar:

ClinVar aggregate classification (germline): Conflicting classifications of pathogenicity. Review status: criteria provided, conflicting classifications (1 of 4 stars). 2 submissions from 2 submitters: Uncertain significance (1); Likely benign (1). Last evaluated 2025-07-27.

Conditions:
Glanzmann thrombasthenia. Also called: Thrombasthenia; THROMBASTHENIA OF GLANZMANN AND NAEGELI; PLATELET GLYCOPROTEIN IIb-IIIa DEFICIENCY; Glanzmann's thrombasthenia. Identifiers: Orphanet 849, MedGen C0040015, MONDO:0100326.

Allele frequency attached by ClinVar (database versions not stated): TOPMed 0.00001; ExAC 0.00003; gnomAD 0.00003; 1000 Genomes Project 0.00020; 1000 Genomes Project 30x 0.00031.
gnomAD v4.1: 28 of 1,613,824 alleles (0.0017%); highest among the groups gnomAD compares: African/African-American, 0.0053%; no homozygotes.

Submissions (2):

Labcorp Genetics (formerly Invitae), Labcorp
Classification: Uncertain significance for Glanzmann thrombasthenia. Last evaluated: 2025-07-27. Review status: criteria provided, single submitter. Criteria: Invitae Variant Classification Sherloc (09022015). Collection method: clinical testing. Allele origin: germline.
Comment: This sequence change replaces arginine, which is basic and polar, with histidine, which is basic and polar, at codon 433 of the ITGA2B protein (p.Arg433His). This variant is present in population databases (rs557705725, gnomAD 0.007%). This variant has not been reported in the literature in individuals affected with ITGA2B-related conditions. ClinVar contains an entry for this variant (Variation ID: 2192988). An algorithm developed to predict the effect of missense changes on protein structure and function outputs the following: PolyPhen-2: "Benign". The histidine amino acid residue is found in multiple mammalian species, which suggests that this missense change does not adversely affect protein function. In summary, the available evidence is currently insufficient to determine the role of this variant in disease. Therefore, it has been classified as a Variant of Uncertain Significance.

Blueprint Genetics
Classification: Likely benign. Last evaluated: 2022-08-23. Review status: criteria provided, single submitter. Criteria: ACMG Guidelines, 2015. Collection method: clinical testing. Allele origin: germline.

NM_000419.5(ITGA2B):c.1298G>A (p.Arg433His)

Gene: ITGA2B (integrin subunit alpha 2b; minus strand). Cytogenetic location: 17q21.31.
Variant type: single nucleotide variant.
Coding change: c.1298G>A on transcript NM_000419.5 (MANE Select); coding-DNA position 1298, G replaced by A.
Protein change: p.Arg433His; replaces arginine 433 with histidine.
Molecular consequence: missense variant.
Genome position (GRCh38, 1-based): chr17:44,380,974, C>T on the plus strand (G>A on the coding strand, the complement: ITGA2B is on the minus strand). VCF-style: chr17-44380974-C-T. GRCh37 (hg19) VCF-style: chr17-42458342-C-T.
Other names: short protein forms R433H.
Identifiers: ClinVar variation 2192988 (VCV002192988.5), dbSNP rs557705725, ClinGen allele CA8603169.